The following is an entry in ClinVar:

ClinVar aggregate classification (germline): Uncertain significance. Review status: criteria provided, multiple submitters, no conflicts (2 of 4 stars). 6 submissions from 6 submitters: Uncertain significance (5). 1 of the submissions does not count toward it. Last evaluated 2025-11-24.

Conditions:
Inborn genetic diseases. Identifiers: MedGen C0950123, MeSH D030342.
Amyotrophic lateral sclerosis type 1 (ALS1). Also called: AMYOTROPHIC LATERAL SCLEROSIS 1, FAMILIAL. Identifiers: Orphanet 803, MedGen C1862939, MONDO:0007103, OMIM 105400.
Perry syndrome. Also called: PARKINSONISM WITH ALVEOLAR HYPOVENTILATION AND MENTAL DEPRESSION. Identifiers: Orphanet 178509, MedGen C1868594, MONDO:0008201, OMIM 168605.
Neuronopathy, distal hereditary motor, type 7B. Also called: NEURONOPATHY, DISTAL HEREDITARY MOTOR, AUTOSOMAL DOMINANT 14; NEURONOPATHY, DISTAL HEREDITARY MOTOR, HARDING TYPE VIIB; NEUROPATHY, DISTAL HEREDITARY MOTOR, HARDING TYPE VIIB; NEUROPATHY, DISTAL HEREDITARY MOTOR, WITH VOCAL CORD PARALYSIS, HARDING TYPE VIIB; HMN VIIB; LOWER MOTOR NEURON DISEASE, DYNACTIN TYPE. Identifiers: Orphanet 139589, MedGen C1843315, MONDO:0011879, OMIM 607641.
DCTN1-related disorder. Also called: DCTN1-related condition.

Allele frequency attached by ClinVar (database versions not stated): TOPMed 0.00003; 1000 Genomes Project 30x 0.00016.

Submissions (6):

GeneDx
Classification: Uncertain significance. Last evaluated: 2025-11-24. Review status: criteria provided, single submitter. Criteria: GeneDx Variant Classification Process June 2021. Collection method: clinical testing. Allele origin: germline. Affected: yes.
Comment: In silico analysis supports that this missense variant has a deleterious effect on protein structure/function; Has not been previously published as pathogenic or benign to our knowledge

Labcorp Genetics (formerly Invitae), Labcorp
Classification: Uncertain significance for Amyotrophic lateral sclerosis type 1; Neuronopathy, distal hereditary motor, type 7B; Perry syndrome. Last evaluated: 2025-07-09. Review status: criteria provided, single submitter. Criteria: Invitae Variant Classification Sherloc (09022015). Collection method: clinical testing. Allele origin: germline.
Comment: This sequence change replaces arginine, which is basic and polar, with cysteine, which is neutral and slightly polar, at codon 502 of the DCTN1 protein (p.Arg502Cys). This variant is present in population databases (rs145958900, gnomAD 0.01%). This variant has not been reported in the literature in individuals affected with DCTN1-related conditions. ClinVar contains an entry for this variant (Variation ID: 843850). Invitae Evidence Modeling of protein sequence and biophysical properties (such as structural, functional, and spatial information, amino acid conservation, physicochemical variation, residue mobility, and thermodynamic stability) has been performed for this missense variant. However, the output from this modeling did not meet the statistical confidence thresholds required to predict the impact of this variant on DCTN1 protein function. In summary, the available evidence is currently insufficient to determine the role of this variant in disease. Therefore, it has been classified as a Variant of Uncertain Significance.

Ambry Genetics
Classification: Uncertain significance for Inborn genetic diseases. Last evaluated: 2021-11-17. Review status: criteria provided, single submitter. Criteria: Ambry Variant Classification Scheme 2023. Collection method: clinical testing. Allele origin: germline.
Comment: The p.R502C variant (also known as c.1504C>T), located in coding exon 14 of the DCTN1 gene, results from a C to T substitution at nucleotide position 1504. The arginine at codon 502 is replaced by cysteine, an amino acid with highly dissimilar properties. This amino acid position is well conserved in available vertebrate species. In addition, the in silico prediction for this alteration is inconclusive. Since supporting evidence is limited at this time, the clinical significance of this alteration remains unclear.

Fulgent Genetics
Classification: Uncertain significance for Amyotrophic lateral sclerosis type 1; Perry syndrome; Neuronopathy, distal hereditary motor, type 7B. Last evaluated: 2021-11-12. Review status: criteria provided, single submitter. Criteria: ACMG Guidelines, 2015. Collection method: clinical testing. Allele origin: unknown.

Athena Diagnostics
Classification: Uncertain significance. Last evaluated: 2020-03-25. Review status: criteria provided, single submitter. Criteria: Athena Diagnostics Criteria. Collection method: clinical testing. Allele origin: unknown.

PreventionGenetics, part of Exact Sciences
Classification: Uncertain significance for DCTN1-related condition. Last evaluated: 2023-12-31. Review status: no assertion criteria provided. Collection method: clinical testing. Allele origin: germline. Not counted in ClinVar's aggregate classification.
Comment: The DCTN1 c.1504C>T variant is predicted to result in the amino acid substitution p.Arg502Cys. To our knowledge, this variant has not been reported in the literature. This variant is reported in 0.018% of alleles in individuals of European (Finnish) descent in gnomAD. At this time, the clinical significance of this variant is uncertain due to the absence of conclusive functional and genetic evidence.

NM_004082.5(DCTN1):c.1504C>T (p.Arg502Cys)

Gene: DCTN1 (dynactin subunit 1; minus strand). Cytogenetic location: 2p13.1.
Variant type: single nucleotide variant.
Coding change: c.1504C>T on transcript NM_004082.5 (MANE Select); coding-DNA position 1504, C replaced by T.
Protein change: p.Arg502Cys; replaces arginine 502 with cysteine.
Molecular consequence: missense variant. On other transcripts: non-coding transcript variant (1).
Genome position (GRCh38, 1-based): chr2:74,369,380, G>A on the plus strand (C>T on the coding strand, the complement: DCTN1 is on the minus strand). VCF-style: chr2-74369380-G-A. GRCh37 (hg19) VCF-style: chr2-74596507-G-A.
Other names: c.1444C>T, p.Arg482Cys (NM_001135040.3); c.1102C>T, p.Arg368Cys (NM_001135041.3, NM_023019.4); c.1393C>T, p.Arg465Cys (NM_001190836.2); c.1483C>T, p.Arg495Cys (NM_001190837.2); c.1453C>T, p.Arg485Cys (NM_001378991.1); c.1435C>T, p.Arg479Cys (NM_001378992.1); short protein forms R482C, R368C, R465C, R495C, R502C, R479C, R485C.
Identifiers: ClinVar variation 843850 (VCV000843850.19), dbSNP rs145958900, ClinGen allele CA1722131.
Genomic context (GRCh38, chr2:74,369,380, plus strand): 5'-GGCGGTACTTCTTGATGGTCTGCTGGTAGTCTGCAACCGTCTCCTGGGCTGCCTCCACAC[G>A]CTTCTGGGCCTCACGAACCCGCGCGCCTGCCATGTCCAGCTGCTCCCGCAGCTCCAGTTC-3'
Protein context (NP_004073.2, residues 492-512): AGARVREAQK[Arg502Cys]VEAAQETVAD